The following continues an entry in ClinVar:

NM_007294.4(BRCA1):c.827C>G (p.Thr276Arg)

Gene: BRCA1. ClinVar aggregate classification (germline): Benign. Benign (1).

Submissions 12 to 19 of 19:

ARUP Laboratories, Molecular Genetics and Genomics, ARUP Laboratories
Classification: Uncertain significance. Last evaluated: 2021-07-17. Review status: criteria provided, single submitter. Criteria: ARUP Molecular Germline Variant Investigation Process 2021. Collection method: clinical testing. Allele origin: germline. Not counted in ClinVar's aggregate classification.
Comment: The BRCA1 c.827C>G; p.Thr276Arg variant (rs80357436) is reported in the literature in several individuals affected with breast or ovarian cancer, though it was not demonstrated to cause disease (Akbari 2011, Lee 2008). This variant is found on only nine chromosomes (9/282220 alleles) in the Genome Aggregation Database. The threonine at codon 276 is moderately conserved, but computational analyses are uncertain whether this variant is neutral or deleterious (REVEL: 0.526). Functional studies suggest the variant protein retains E3 ubiquitin ligase activity similar to wildtype BRCA1 (Starita 2015), although this result has not been confirmed by other groups or additional methods. Multifactorial likelihood analysis considering family history of disease, co-occurrence with pathogenic variants, and co-segregation with disease suggest this variant has low odds of causing disease (Parsons 2019). However, due to limited information, the clinical significance of the p.Thr276Arg variant is uncertain at this time. References: Akbari et al. Clinical impact of unclassified variants of the BRCA1 and BRCA2 genes. J Med Genet. 2011 Nov;48(11):783-6. PMID: 21965345. Lee et al. Evaluation of unclassified variants in the breast cancer susceptibility genes BRCA1 and BRCA2 using five methods: results from a population-based study of young breast cancer patients. Breast Cancer Res. 2008;10(1):R19. PMID: 18284688. Parsons et al. Large scale multifactorial likelihood quantitative analysis of BRCA1 and BRCA2 variants: An ENIGMA resource to support clinical variant classification. Hum Mutat. 2019 Sep;40(9):1557-1578. PMID: 31131967. Starita et al. Massively Parallel Functional Analysis of BRCA1 RING Domain Variants. Genetics. 2015 Jun;200(2):413-22. PMID: 25823446.

Laboratory for Molecular Medicine, Mass General Brigham Personalized Medicine
Classification: Uncertain significance. Last evaluated: 2016-06-23. Review status: criteria provided, single submitter. Criteria: LMM Criteria. Collection method: clinical testing. Allele origin: germline. Not counted in ClinVar's aggregate classification.
Comment: Variant identified in a genome or exome case(s) and assessed due to predicted null impact of the variant or pathogenic assertions in the literature or databases. Disclaimer: This variant has not undergone full assessment. ClinVar: 3 VUS

Color Diagnostics, LLC DBA Color Health
Classification: Likely benign for Hereditary cancer-predisposing syndrome. Last evaluated: 2016-03-07. Review status: criteria provided, single submitter. Criteria: ACMG Guidelines, 2015. Collection method: clinical testing. Allele origin: germline. Not counted in ClinVar's aggregate classification.

Research Molecular Genetics Laboratory, Women's College Hospital, University of Toronto
Classification: Uncertain significance. Last evaluated: 2014-01-31. Review status: no assertion criteria provided. Collection method: research. Allele origin: germline. Affected: yes. Study: The Canadian Open Genetics Repository (COGR). Not counted in ClinVar's aggregate classification.

Sharing Clinical Reports Project (SCRP)
Classification: Benign for Breast-ovarian cancer, familial 1. Last evaluated: 2011-10-04. Review status: no assertion criteria provided. Collection method: clinical testing. Allele origin: germline. Not counted in ClinVar's aggregate classification.

Breast Cancer Information Core (BIC) (BRCA1)
Classification: Uncertain significance for Breast-ovarian cancer, familial 1. Last evaluated: 2002-05-29. Review status: no assertion criteria provided. Collection method: clinical testing. Allele origin: germline. Affected: yes. Observed: 1 variant allele. Not counted in ClinVar's aggregate classification.

Diagnostic Laboratory, Department of Genetics, University Medical Center Groningen
Classification: Likely benign. Review status: no assertion criteria provided. Collection method: clinical testing. Allele origin: germline. Affected: yes. Study: VKGL Data-share Consensus. Not counted in ClinVar's aggregate classification.

Joint Genome Diagnostic Labs from Nijmegen and Maastricht, Radboudumc and MUMC+
Classification: Benign. Review status: no assertion criteria provided. Collection method: clinical testing. Allele origin: germline. Affected: yes. Study: VKGL Data-share Consensus. Not counted in ClinVar's aggregate classification.

Literature cited by the submitters: PubMed 31131967 (cited by Evidence-based Network for the Interpretation of Germline Mutant Alleles (ENIGMA) and Quest Diagnostics Nichols Institute San Juan Capistrano); PubMed 16267036 (cited by Women's Health and Genetics/Laboratory Corporation of America, LabCorp and Quest Diagnostics Nichols Institute San Juan Capistrano); PubMed 16518693 (cited by Women's Health and Genetics/Laboratory Corporation of America, LabCorp); PubMed 15385441 (cited by Women's Health and Genetics/Laboratory Corporation of America, LabCorp); PubMed 21965345 (cited by 3 submitters); PubMed 15235020 (cited by Women's Health and Genetics/Laboratory Corporation of America, LabCorp and Quest Diagnostics Nichols Institute San Juan Capistrano); PubMed 18284688 (cited by 3 submitters); PubMed 25823446 (cited by Women's Health and Genetics/Laboratory Corporation of America, LabCorp and Quest Diagnostics Nichols Institute San Juan Capistrano); PubMed 31112341 (cited by Women's Health and Genetics/Laboratory Corporation of America, LabCorp); PubMed 37970354 (cited by Women's Health and Genetics/Laboratory Corporation of America, LabCorp and Quest Diagnostics Nichols Institute San Juan Capistrano); PubMed 33471991 (cited by Department of Pathology and Laboratory Medicine, Sinai Health System and Quest Diagnostics Nichols Institute San Juan Capistrano).